The following is an entry in ClinVar:

NM_002693.3(POLG):c.156_157insGAGCAG (p.Gln52_Gln53insGluGln)

Genes: POLG (DNA polymerase gamma, catalytic subunit; minus strand), POLGARF (POLG alternative reading frame; minus strand). Cytogenetic location: 15q26.1.
Variant type: Insertion.
Coding change: c.156_157insGAGCAG on transcript NM_002693.3 (MANE Select); coding-DNA positions 156 to 157, GAGCAG inserted.
Protein change: p.Gln52_Gln53insGluGln.
Molecular consequence: inframe insertion.
Genome position: GRCh38 VCF-style: chr15-89333598-G-GCTGCTC. GRCh37 (hg19) VCF-style: chr15-89876829-G-GCTGCTC.
Other names: c.211_212insGAGCAG, p.Ala70_Ala71insGlyAla (NM_001430120.1); c.156_157insGAGCAG, p.Gln52_Gln53insGluGln (NM_001126131.2).
Identifiers: ClinVar variation 3614380 (VCV003614380.2).

ClinVar aggregate classification (germline): Uncertain significance (1 of 4 stars; one submission).

Conditions:
Progressive sclerosing poliodystrophy (MTDPS4A). Also called: ALPERS PROGRESSIVE INFANTILE POLIODYSTROPHY; NEURONAL DEGENERATION OF CHILDHOOD WITH LIVER DISEASE, PROGRESSIVE; Alpers Syndrome; ALPERS DIFFUSE DEGENERATION OF CEREBRAL GRAY MATTER WITH HEPATIC CIRRHOSIS; Alpers-Huttenlocher Syndrome; Mitochondrial DNA depletion syndrome 4A (Alpers type). Identifiers: Orphanet 726, MedGen C0205710, MONDO:0008758, OMIM 203700.

Submission:

Labcorp Genetics (formerly Invitae), Labcorp
Classification: Uncertain significance for Progressive sclerosing poliodystrophy. Last evaluated: 2025-02-15. Review status: criteria provided, single submitter. Criteria: Invitae Variant Classification Sherloc (09022015). Collection method: clinical testing. Allele origin: germline.
Comment: This variant, c.156_157insGAGCAG, results in the insertion of 2 amino acid(s) of the POLG protein (p.Gln52_Gln53insGluGln), but otherwise preserves the integrity of the reading frame. The frequency data for this variant in the population databases is considered unreliable, as metrics indicate poor data quality at this position in the gnomAD database. This variant has not been reported in the literature in individuals affected with POLG-related conditions. In summary, the available evidence is currently insufficient to determine the role of this variant in disease. Therefore, it has been classified as a Variant of Uncertain Significance.